The following is an entry in ClinVar:

ClinVar aggregate classification (germline): Uncertain significance (1 of 4 stars; one submission).

Conditions:
Congenital disorder of glycosylation, type Iaa. Also called: Congenital disorder of glycosylation, type 1aa. Identifiers: MedGen C4310727, MONDO:0014904, OMIM 617082.

Allele frequency attached by ClinVar (database versions not stated): gnomAD exomes below 0.00001.
gnomAD v4.1: 3 of 1,612,788 alleles (0.00019%); highest among the groups gnomAD compares: Non-Finnish European, 0.00025%; no homozygotes.

Submission:

Labcorp Genetics (formerly Invitae), Labcorp
Classification: Uncertain significance for Congenital disorder of glycosylation, type Iaa. Last evaluated: 2024-04-10. Review status: criteria provided, single submitter. Criteria: Invitae Variant Classification Sherloc (09022015). Collection method: clinical testing. Allele origin: germline.
Comment: This sequence change replaces tyrosine, which is neutral and polar, with cysteine, which is neutral and slightly polar, at codon 167 of the NUS1 protein (p.Tyr167Cys). This variant is not present in population databases (gnomAD no frequency). This variant has not been reported in the literature in individuals affected with NUS1-related conditions. An algorithm developed to predict the effect of missense changes on protein structure and function (PolyPhen-2) suggests that this variant is likely to be tolerated. In summary, the available evidence is currently insufficient to determine the role of this variant in disease. Therefore, it has been classified as a Variant of Uncertain Significance.

NM_138459.5(NUS1):c.500A>G (p.Tyr167Cys)

Gene: NUS1 (NUS1 dehydrodolichyl diphosphate synthase subunit; plus strand). Cytogenetic location: 6q22.1.
Variant type: single nucleotide variant.
Coding change: c.500A>G on transcript NM_138459.5 (MANE Select); coding-DNA position 500, A replaced by G.
Protein change: p.Tyr167Cys; replaces tyrosine 167 with cysteine.
Molecular consequence: missense variant.
Genome position (GRCh38, 1-based): chr6:117,693,126, A>G. VCF-style: chr6-117693126-A-G. GRCh37 (hg19) VCF-style: chr6-118014289-A-G.
Other names: short protein forms Y167C.
Identifiers: ClinVar variation 2836743 (VCV002836743.3), dbSNP rs2482014246, ClinGen allele CA365536792.